The following is an entry in ClinVar:

NM_206933.4(USH2A):c.12859_12863del (p.Pro4287fs)

Gene: USH2A (usherin; minus strand). Cytogenetic location: 1q41.
Variant type: Deletion.
Coding change: c.12859_12863del on transcript NM_206933.4 (MANE Select); coding-DNA positions 12859 to 12863, 5 bases deleted (CCACC; older notation c.12859_12863delCCACC).
Protein change: p.Pro4287fs; shifts the reading frame from proline 4287.
Molecular consequence: frameshift variant.
Genome position (GRCh38, 1-based): chr1:215,675,048-215,675,052, GGTGG deleted on the plus strand (CCACC on the coding strand, the reverse complement: USH2A is on the minus strand); deleting any 5 consecutive bases within chr1:215,675,048-215,675,053 gives the same sequence; the c. name uses the placement nearest the transcript's 3' end. VCF-style (leftmost placement, unchanged base first): chr1-215675047-TGGTGG-T. GRCh37 (hg19) VCF-style: chr1-215848389-TGGTGG-T.
Other names: short protein forms P4287fs.
Identifiers: ClinVar variation 557680 (VCV000557680.14), dbSNP rs1553252469, ClinGen allele CA658822643.

ClinVar aggregate classification (germline): Pathogenic/Likely pathogenic. Review status: criteria provided, multiple submitters, no conflicts (2 of 4 stars). 4 submissions from 4 submitters: Pathogenic (2); Likely pathogenic (1). 1 of the submissions does not count toward it. Last evaluated 2025-06-01.

Conditions:
USH2A-related disorder. Also called: USH2A-related disorders; USH2A-related condition. Identifiers: MedGen CN239332.
Retinitis pigmentosa 39 (RP39). Identifiers: Orphanet 791, MedGen C3151138, MONDO:0013436, OMIM 613809.
Usher syndrome type 2A. Also called: USHER SYNDROME, TYPE IIA; RETINAL DISEASE IN USHER SYNDROME TYPE IIA, MODIFIER OF. Identifiers: Orphanet 231178, Orphanet 886, MedGen C1848634, MONDO:0010169, OMIM 276901.

Submissions (4):

CeGaT Center for Human Genetics Tuebingen
Classification: Pathogenic. Last evaluated: 2025-06-01. Review status: criteria provided, single submitter. Criteria: CeGaT Center For Human Genetics Tuebingen Variant Classification Criteria Version 2. Collection method: clinical testing. Allele origin: germline. Affected: yes. Observed: 2 variant alleles.
Comment: USH2A: PVS1, PM2, PM3:Supporting

Labcorp Genetics (formerly Invitae), Labcorp
Classification: Pathogenic. Last evaluated: 2023-09-03. Review status: criteria provided, single submitter. Criteria: Invitae Variant Classification Sherloc (09022015). Collection method: clinical testing. Allele origin: germline.
Comment: For these reasons, this variant has been classified as Pathogenic. ClinVar contains an entry for this variant (Variation ID: 557680). This premature translational stop signal has been observed in individual(s) with Usher syndrome (PMID: 25558175). This variant is not present in population databases (gnomAD no frequency). This sequence change creates a premature translational stop signal (p.Pro4287Argfs*4) in the USH2A gene. It is expected to result in an absent or disrupted protein product. Loss-of-function variants in USH2A are known to be pathogenic (PMID: 10729113, 10909849, 20507924, 25649381).

Blueprint Genetics
Classification: Likely pathogenic for USH2A-related disorders. Last evaluated: 2023-03-31. Review status: criteria provided, single submitter. Criteria: ACMG Guidelines, 2015. Collection method: clinical testing. Allele origin: germline. Affected: yes. Observed: 2 variant alleles.

Counsyl
Classification: Likely pathogenic for Usher syndrome type 2A; Retinitis pigmentosa 39. Last evaluated: 2018-04-12. Review status: no assertion criteria provided. Collection method: clinical testing. Allele origin: unknown. Not counted in ClinVar's aggregate classification.

Literature cited by the submitters: PubMed 25558175 (cited by Labcorp Genetics (formerly Invitae), Labcorp and Counsyl); PubMed 10729113 (cited by Labcorp Genetics (formerly Invitae), Labcorp); PubMed 10909849 (cited by Labcorp Genetics (formerly Invitae), Labcorp); PubMed 20507924 (cited by Labcorp Genetics (formerly Invitae), Labcorp); PubMed 25649381 (cited by Labcorp Genetics (formerly Invitae), Labcorp).